The following is an entry in ClinVar:

NM_000381.4(MID1):c.1603T>C (p.Phe535Leu)

Gene: MID1 (midline 1; minus strand). Cytogenetic location: Xp22.2.
Variant type: single nucleotide variant.
Coding change: c.1603T>C on transcript NM_000381.4 (MANE Select); coding-DNA position 1603, T replaced by C.
Protein change: p.Phe535Leu; replaces phenylalanine 535 with leucine.
Molecular consequence: missense variant.
Genome position (GRCh38, 1-based): chrX:10,454,922, A>G on the plus strand (T>C on the coding strand, the complement: MID1 is on the minus strand). VCF-style: chrX-10454922-A-G. GRCh37 (hg19) VCF-style: chrX-10422962-A-G.
Other names: c.1603T>C, p.Phe535Leu (NM_001098624.2, NM_001193277.1, NM_001347733.2 and 1 more transcripts); c.1489T>C, p.Phe497Leu (NM_033289.2); short protein forms F497L, F535L.
Identifiers: ClinVar variation 3896051 (VCV003896051.1).
Genomic context (GRCh38, chrX:10,454,922, plus strand): 5'-TTGCTTACCATGTGCTTCCACTTATGACCACTTCCCAATAATGCCGGCCACTATCAATAA[A>G]CACATTTCCAGCTACTCCATAGCTCCCCTGGCTGGTGAAGCGTTCAGGTGTGTGACTCTT-3'
Protein context (NP_000372.1, residues 525-545): QGSYGVAGNV[Phe535Leu]IDSGRHYWEV

ClinVar aggregate classification (germline): Uncertain significance (1 of 4 stars; one submission).

Submission:

Women's Health and Genetics/Laboratory Corporation of America, LabCorp
Classification: Uncertain significance. Last evaluated: 2025-03-21. Review status: criteria provided, single submitter. Criteria: LabCorp Variant Classification Summary - May 2015. Collection method: clinical testing. Allele origin: germline.
Comment: Variant summary: MID1 c.1603T>C (p.Phe535Leu) results in a non-conservative amino acid change in the encoded protein sequence. Three of five in-silico tools predict a benign effect of the variant on protein function. The variant was absent in 183374 control chromosomes. The available data on variant occurrences in the general population are insufficient to allow any conclusion about variant significance. To our knowledge, no occurrence of c.1603T>C in individuals affected with Opitz G/BBB syndrome and no experimental evidence demonstrating its impact on protein function have been reported. No submitters have cited clinical-significance assessments for this variant to ClinVar. Based on the evidence outlined above, the variant was classified as uncertain significance.